The following is an entry in ClinVar:

ClinVar aggregate classification (germline): Pathogenic/Likely pathogenic. Review status: criteria provided, multiple submitters, no conflicts (2 of 4 stars). 4 submissions from 4 submitters: Pathogenic (3); Likely pathogenic (1). Last evaluated 2024-04-25.

Conditions:
Bardet-Biedl syndrome (BBS). Identifiers: Orphanet 110, MedGen C0752166, MONDO:0015229.
Bardet-Biedl syndrome 9 (BBS9). Identifiers: Orphanet 110, MedGen C1859567, MONDO:0014437, OMIM 615986.

Allele frequency attached by ClinVar (database versions not stated): gnomAD exomes below 0.00001; TOPMed below 0.00001.
gnomAD v4.1: 3 of 1,612,300 alleles (0.00019%); highest among the groups gnomAD compares: African/African-American, 0.0013%; no homozygotes.

Submissions (4):

Fulgent Genetics
Classification: Pathogenic for Bardet-Biedl syndrome 9. Last evaluated: 2024-04-25. Review status: criteria provided, single submitter. Criteria: ACMG Guidelines, 2015. Collection method: clinical testing. Allele origin: germline.

CeGaT Center for Human Genetics Tuebingen
Classification: Pathogenic. Last evaluated: 2024-04-01. Review status: criteria provided, single submitter. Criteria: CeGaT Center For Human Genetics Tuebingen Variant Classification Criteria Version 2. Collection method: clinical testing. Allele origin: germline. Affected: yes. Observed: 1 variant allele.
Comment: BBS9: PVS1, PM2, PM3:Supporting

Labcorp Genetics (formerly Invitae), Labcorp
Classification: Pathogenic for Bardet-Biedl syndrome. Last evaluated: 2023-08-17. Review status: criteria provided, single submitter. Criteria: Invitae Variant Classification Sherloc (09022015). Collection method: clinical testing. Allele origin: germline.
Comment: For these reasons, this variant has been classified as Pathogenic. ClinVar contains an entry for this variant (Variation ID: 1342593). This premature translational stop signal has been observed in individual(s) with Bardet-Biedl syndrome (PMID: 33138063). This variant is present in population databases (no rsID available, gnomAD 0.007%). This sequence change creates a premature translational stop signal (p.Arg514*) in the BBS9 gene. It is expected to result in an absent or disrupted protein product. Loss-of-function variants in BBS9 are known to be pathogenic (PMID: 16380913, 20177705).

New York Genome Center
Classification: Likely pathogenic for Bardet-Biedl syndrome 9. Last evaluated: 2021-06-22. Review status: criteria provided, single submitter. Criteria: NYGC Assertion Criteria 2020. Collection method: clinical testing. Allele origin: inherited. Observed: 1 heterozygote. Study: CSER-NYCKidSeq.

Literature cited by the submitters: PubMed 33138063 (cited by Labcorp Genetics (formerly Invitae), Labcorp); PubMed 16380913 (cited by Labcorp Genetics (formerly Invitae), Labcorp); PubMed 20177705 (cited by Labcorp Genetics (formerly Invitae), Labcorp).

NM_198428.3(BBS9):c.1540C>T (p.Arg514Ter)

Gene: BBS9 (Bardet-Biedl syndrome 9; plus strand). Cytogenetic location: 7p14.3.
Variant type: single nucleotide variant.
Coding change: c.1540C>T on transcript NM_198428.3 (MANE Select); coding-DNA position 1540, C replaced by T.
Protein change: p.Arg514Ter; replaces arginine 514 with a stop codon.
Molecular consequence: nonsense. On other transcripts: non-coding transcript variant (3), intron variant (3).
Genome position (GRCh38, 1-based): chr7:33,352,861, C>T. VCF-style: chr7-33352861-C-T. GRCh37 (hg19) VCF-style: chr7-33392473-C-T.
Other names: c.1069C>T, p.Arg357Ter (NM_001348044.3); c.1174C>T, p.Arg392Ter (NM_001348045.3, NM_001348046.3, NM_001348037.3); c.1540C>T, p.Arg514Ter (NM_001362679.1, NM_001348036.1, NM_001348041.4 and 1 more transcripts); c.1537+1538C>T (NM_001033605.2); c.1432+3691C>T (NM_014451.4, NM_001348040.3); c.1435C>T, p.Arg479Ter (NM_001033604.2); c.1267C>T, p.Arg423Ter (NM_001348038.3); c.1162C>T, p.Arg388Ter (NM_001348039.3); and 1 more; short protein forms R357*, R388*, R392*, R423*, R469*, R479*, R514*.
Identifiers: ClinVar variation 1342593 (VCV001342593.25), dbSNP rs1401715737, ClinGen allele CA367256317.